The following is an entry in ClinVar:

ClinVar aggregate classification (germline): Pathogenic (1 of 4 stars; one submission).

Conditions:
Fabry disease. Also called: ALPHA-GALACTOSIDASE A DEFICIENCY; ANDERSON-FABRY DISEASE; CERAMIDE TRIHEXOSIDASE DEFICIENCY; GLA DEFICIENCY; HEREDITARY DYSTOPIC LIPIDOSIS; Angiokeratoma corporis diffusum. Identifiers: Orphanet 324, MedGen C0002986, MONDO:0010526, OMIM 301500, HP:0001071. Disease mechanism: Fabry disease is due to inactivating mutations in the X-linked GLA gene resulting in deficiency of the enzyme Alpha Galactosidase-A., loss of function.

Submission:

Genomenon, Inc
Classification: Pathogenic for Fabry disease. Last evaluated: 2026-09-08. Review status: criteria provided, single submitter. Criteria: Genomenon Sequence Variant Interpretation Standards - Updated. Collection method: curation. Allele origin: germline. Affected: yes.
Comment: GLA p.Trp47LeufsTer9 (c.139dup) is a frameshift variant that is predicted to introduce a premature termination codon and result in a truncated or absent protein product. This variant has been observed in at least one proband with clinical features consistent with Fabry disease (PMID:29853467). It is absent or not present at a significant frequency in gnomAD. In conclusion, we classify GLA p.Trp47LeufsTer9 (c.139dup) as a pathogenic variant.

Literature cited by the submitters: PubMed 29853467.

NM_000169.3(GLA):c.139dup (p.Trp47fs)

Genes: GLA (galactosidase alpha; minus strand), RPL36A-HNRNPH2 (RPL36A-HNRNPH2 readthrough; plus strand). Cytogenetic location: Xq22.1.
Variant type: Duplication.
Coding change: c.139dup on transcript NM_000169.3 (MANE Select); coding-DNA position 139, one base duplicated (T; older notation c.139dupT).
Protein change: p.Trp47fs; shifts the reading frame from tryptophan 47.
Molecular consequence: frameshift variant. On other transcripts: non-coding transcript variant (3), intron variant (2).
Genome position (GRCh38, 1-based): chrX:101,407,765, A duplicated on the plus strand (T on the coding strand, the reverse complement: GLA is on the minus strand). VCF-style (leftmost placement, unchanged base first): chrX-101407764-C-CA. GRCh37 (hg19) VCF-style: chrX-100662752-C-CA.
Other names: c.139dup, p.Trp47fs (NM_001406747.1, NM_001406748.1, NM_001406749.1); c.301-4171dup (NM_001199973.2); c.178-4171dup (NM_001199974.2); short protein forms W47fs.
Identifiers: ClinVar variation 4087261 (VCV004087261.2).